The following is an entry in ClinVar:

ClinVar aggregate classification (germline): Uncertain significance (1 of 4 stars; one submission).

Conditions:
Inborn genetic diseases. Identifiers: MedGen C0950123, MeSH D030342.

Submission:

Ambry Genetics
Classification: Uncertain significance for Inborn genetic diseases. Last evaluated: 2025-01-06. Review status: criteria provided, single submitter. Criteria: Ambry Variant Classification Scheme 2023. Collection method: clinical testing. Allele origin: germline.
Comment: The p.C1895W variant (also known as c.5685T>G), located in coding exon 21 of the FANCM gene, results from a T to G substitution at nucleotide position 5685. The cysteine at codon 1895 is replaced by tryptophan, an amino acid with highly dissimilar properties. This amino acid position is conserved. In addition, the in silico prediction for this alteration is inconclusive. Based on the available evidence, the clinical significance of this variant remains unclear.

NM_020937.4(FANCM):c.5685T>G (p.Cys1895Trp)

Gene: FANCM (FA complementation group M; plus strand). Cytogenetic location: 14q21.2.
Variant type: single nucleotide variant.
Coding change: c.5685T>G on transcript NM_020937.4 (MANE Select); coding-DNA position 5685, T replaced by G.
Protein change: p.Cys1895Trp; replaces cysteine 1895 with tryptophan.
Molecular consequence: missense variant.
Genome position (GRCh38, 1-based): chr14:45,196,516, T>G. VCF-style: chr14-45196516-T-G. GRCh37 (hg19) VCF-style: chr14-45665719-T-G.
Other names: c.5607T>G, p.Cys1869Trp (NM_001308133.2); short protein forms C1869W, C1895W.
Identifiers: ClinVar variation 3848594 (VCV003848594.1).